The following is an entry in ClinVar:

ClinVar aggregate classification (germline): Pathogenic (1 of 4 stars; one submission).

Submission:

Labcorp Genetics (formerly Invitae), Labcorp
Classification: Pathogenic. Last evaluated: 2022-12-22. Review status: criteria provided, single submitter. Criteria: Invitae Variant Classification Sherloc (09022015). Collection method: clinical testing. Allele origin: germline.
Comment: This sequence change creates a premature translational stop signal (p.Glu67Leufs*15) in the MAK gene. It is expected to result in an absent or disrupted protein product. Loss-of-function variants in MAK are known to be pathogenic (PMID: 21148103, 21825139, 24938718, 29781741). This variant is not present in population databases (gnomAD no frequency). This variant has not been reported in the literature in individuals affected with MAK-related conditions. For these reasons, this variant has been classified as Pathogenic.

Literature cited by the submitters: PubMed 21148103; PubMed 21825139; PubMed 24938718; PubMed 29781741.

NM_001242957.3(MAK):c.198_201del (p.Glu67fs)

Gene: MAK (male germ cell associated kinase; minus strand). Cytogenetic location: 6p24.2.
Variant type: Deletion.
Coding change: c.198_201del on transcript NM_001242957.3 (MANE Select); coding-DNA positions 198 to 201, 4 bases deleted (AGAA; older notation c.198_201delAGAA).
Protein change: p.Glu67fs; shifts the reading frame from glutamic acid 67.
Molecular consequence: frameshift variant. On other transcripts: non-coding transcript variant (2).
Genome position (GRCh38, 1-based): chr6:10,817,927-10,817,930, TTCT deleted on the plus strand (AGAA on the coding strand, the reverse complement: MAK is on the minus strand); deleting any 4 consecutive bases within chr6:10,817,927-10,817,933 gives the same sequence; the c. name uses the placement nearest the transcript's 3' end. VCF-style (leftmost placement, unchanged base first): chr6-10817926-CTTCT-C. GRCh37 (hg19) VCF-style: chr6-10818159-CTTCT-C.
Other names: c.198_201del, p.Glu67fs (NM_001242385.2, NM_005906.6); c.96_99del, p.Glu33fs (NM_001377262.1); short protein forms E67fs, E33fs.
Identifiers: ClinVar variation 2823167 (VCV002823167.3), dbSNP rs1455246648, ClinGen allele CA816928445.